The following is an entry in ClinVar:

NM_002641.4(PIGA):c.332C>T (p.Pro111Leu)

Gene: PIGA (phosphatidylinositol glycan anchor biosynthesis class A; minus strand). Cytogenetic location: Xp22.2.
Variant type: single nucleotide variant.
Coding change: c.332C>T on transcript NM_002641.4 (MANE Select); coding-DNA position 332, C replaced by T.
Protein change: p.Pro111Leu; replaces proline 111 with leucine.
Molecular consequence: missense variant. On other transcripts: non-coding transcript variant (1), intron variant (1).
Genome position (GRCh38, 1-based): chrX:15,331,599, G>A on the plus strand (C>T on the coding strand, the complement: PIGA is on the minus strand). VCF-style: chrX-15331599-G-A. GRCh37 (hg19) VCF-style: chrX-15349721-G-A.
Other names: c.13+3902C>T (NM_020473.3); short protein forms P111L.
Identifiers: ClinVar variation 1508836 (VCV001508836.8), dbSNP rs2147723769, ClinGen allele CA412340479.

ClinVar aggregate classification (germline): Uncertain significance (1 of 4 stars; one submission).

Conditions:
Multiple congenital anomalies-hypotonia-seizures syndrome 2 (MCAHS2). Also called: EPILEPTIC ENCEPHALOPATHY, EARLY INFANTILE, 20; GLYCOSYLPHOSPHATIDYLINOSITOL BIOSYNTHESIS DEFECT 4. Identifiers: Orphanet 300496, MedGen C3275508, MONDO:0010466, OMIM 300868.

Submission:

Labcorp Genetics (formerly Invitae), Labcorp
Classification: Uncertain significance for Multiple congenital anomalies-hypotonia-seizures syndrome 2. Last evaluated: 2021-03-26. Review status: criteria provided, single submitter. Criteria: Invitae Variant Classification Sherloc (09022015). Collection method: clinical testing. Allele origin: germline.
Comment: In summary, the available evidence is currently insufficient to determine the role of this variant in disease. Therefore, it has been classified as a Variant of Uncertain Significance. Algorithms developed to predict the effect of missense changes on protein structure and function are either unavailable or do not agree on the potential impact of this missense change (SIFT: "Deleterious"; PolyPhen-2: "Probably Damaging"; Align-GVGD: "Class C0"). This variant has not been reported in the literature in individuals with PIGA-related conditions. This variant is not present in population databases (ExAC no frequency). This sequence change replaces proline with leucine at codon 111 of the PIGA protein (p.Pro111Leu). The proline residue is highly conserved and there is a moderate physicochemical difference between proline and leucine.